The following is an entry in ClinVar:

NM_152564.5(VPS13B):c.4427T>C (p.Ile1476Thr)

Gene: VPS13B (vacuolar protein sorting 13 homolog B; plus strand). Cytogenetic location: 8q22.2.
Variant type: single nucleotide variant.
Coding change: c.4427T>C on transcript NM_152564.5 (MANE Select); coding-DNA position 4427, T replaced by C.
Protein change: p.Ile1476Thr; replaces isoleucine 1476 with threonine.
Molecular consequence: missense variant.
Genome position (GRCh38, 1-based): chr8:99,511,306, T>C. VCF-style: chr8-99511306-T-C. GRCh37 (hg19) VCF-style: chr8-100523534-T-C.
Other names: c.4502T>C, p.Ile1501Thr (NM_017890.5); short protein forms I1476T, I1501T.
Identifiers: ClinVar variation 3903296 (VCV003903296.1).

ClinVar aggregate classification (germline): Uncertain significance (1 of 4 stars; one submission).

Submission:

GeneDx
Classification: Uncertain significance. Last evaluated: 2024-12-09. Review status: criteria provided, single submitter. Criteria: GeneDx Variant Classification Process June 2021. Collection method: clinical testing. Allele origin: germline. Affected: yes.
Comment: Not observed at significant frequency in large population cohorts (gnomAD); In silico analysis supports that this missense variant has a deleterious effect on protein structure/function; Has not been previously published as pathogenic or benign to our knowledge